The following is an entry in ClinVar:

NM_000531.6(OTC):c.568dup (p.Thr190fs)

Gene: OTC (ornithine transcarbamylase; plus strand). Cytogenetic location: Xp11.4.
Variant type: Duplication.
Coding change: c.568dup on transcript NM_000531.6 (MANE Select); coding-DNA position 568, one base duplicated (A; older notation c.568dupA).
Protein change: p.Thr190fs; shifts the reading frame from threonine 190.
Molecular consequence: frameshift variant.
Genome position (GRCh38, 1-based): chrX:38,403,645, A duplicated. VCF-style (leftmost placement, unchanged base first): chrX-38403644-T-TA. GRCh37 (hg19) VCF-style: chrX-38262897-T-TA.
Other names: short protein forms T190fs.
Identifiers: ClinVar variation 870328 (VCV000870328.7), dbSNP rs2068501144, ClinGen allele CA916083887.
Genomic context (GRCh38, chrX:38,403,644, plus strand): 5'-CTGGATTTCATCTCCTTCATCCCGTGCCTTTTAGGAACACTATAGCTCTCTGAAAGGTCT[T>TA]ACCCTCAGCTGGATCGGGGATGGGAACAATATCCTGCACTCCATCATGATGAGCGCAGCG-3'

ClinVar aggregate classification (germline): Pathogenic. Review status: criteria provided, single submitter (1 of 4 stars). 2 submissions from 2 submitters: Pathogenic (1). 1 of the submissions does not count toward it. Last evaluated 2022-05-03.

Conditions:
Ornithine carbamoyltransferase deficiency (OTCD). Also called: OTC DEFICIENCY; Ornithine Carbamoyltransferase Deficiency Disease; ORNITHINE TRANSCARBAMYLASE DEFICIENCY; ORNITHINE TRANSCARBAMYLASE DEFICIENCY, HYPERAMMONEMIA DUE TO. Identifiers: Orphanet 664, MedGen C0268542, MONDO:0010703, OMIM 311250.

Submissions (2):

Labcorp Genetics (formerly Invitae), Labcorp
Classification: Pathogenic for Ornithine carbamoyltransferase deficiency. Last evaluated: 2022-05-03. Review status: criteria provided, single submitter. Criteria: Invitae Variant Classification Sherloc (09022015). Collection method: clinical testing. Allele origin: germline.
Comment: For these reasons, this variant has been classified as Pathogenic. ClinVar contains an entry for this variant (Variation ID: 870328). This variant has not been reported in the literature in individuals affected with OTC-related conditions. This variant is not present in population databases (gnomAD no frequency). This sequence change creates a premature translational stop signal (p.Thr190Asnfs*35) in the OTC gene. It is expected to result in an absent or disrupted protein product. Loss-of-function variants in OTC are known to be pathogenic (PMID: 10946359, 16786505).

Molecular Genetics laboratory, Necker Hospital
Classification: Pathogenic for Ornithine carbamoyltransferase deficiency. Review status: no assertion criteria provided. Collection method: clinical testing. Allele origin: de novo. Inheritance: X-linked inheritance. Affected: yes. Not counted in ClinVar's aggregate classification.

Literature cited by the submitters: PubMed 10946359 (cited by Labcorp Genetics (formerly Invitae), Labcorp); PubMed 16786505 (cited by Labcorp Genetics (formerly Invitae), Labcorp).